The following is an entry in ClinVar:

ClinVar aggregate classification (germline): Uncertain significance (1 of 4 stars; one submission).

Submission:

CeGaT Center for Human Genetics Tuebingen
Classification: Uncertain significance. Last evaluated: 2024-02-01. Review status: criteria provided, single submitter. Criteria: CeGaT Center For Human Genetics Tuebingen Variant Classification Criteria Version 2. Collection method: clinical testing. Allele origin: germline. Affected: yes. Observed: 1 variant allele.
Comment: DHX30: PM2, BP4

NM_138615.3(DHX30):c.2770-7C>T

Gene: DHX30 (DExH-box helicase 30; plus strand). Cytogenetic location: 3p21.31.
Variant type: single nucleotide variant.
Coding change: c.2770-7C>T on transcript NM_138615.3 (MANE Select); 7 bases into the intron before coding-DNA position 2770, C replaced by T.
Molecular consequence: intron variant.
Genome position (GRCh38, 1-based): chr3:47,848,913, C>T. VCF-style: chr3-47848913-C-T. GRCh37 (hg19) VCF-style: chr3-47890403-C-T.
Other names: c.2686-7C>T (NM_001330990.2); c.2653-7C>T (NM_014966.4).
Identifiers: ClinVar variation 3027074 (VCV003027074.22), dbSNP rs146128292, ClinGen allele CA2577582623.
Genomic context (GRCh38, chr3:47,848,913, plus strand): 5'-CTGCTGTTCTGAGGGGGCGTTGTCTAGCCCCTGCCTGTGATCCGGCTGCCCTCTTCTCCC[C>T]TCCCAGGTGAAAGCACTGTTGAGCCATGACAGCGGCAGTGACCACCTGGCCTTTGTGCGG-3'